The following is an entry in ClinVar:

NM_032447.5(FBN3):c.4598T>C (p.Leu1533Pro)

Gene: FBN3 (fibrillin 3; minus strand). Cytogenetic location: 19p13.2.
Variant type: single nucleotide variant.
Coding change: c.4598T>C on transcript NM_032447.5 (MANE Select); coding-DNA position 4598, T replaced by C.
Protein change: p.Leu1533Pro; replaces leucine 1533 with proline.
Molecular consequence: missense variant.
Genome position (GRCh38, 1-based): chr19:8,109,247, A>G on the plus strand (T>C on the coding strand, the complement: FBN3 is on the minus strand). VCF-style: chr19-8109247-A-G. GRCh37 (hg19) VCF-style: chr19-8174131-A-G.
Other names: c.4598T>C (NM_032447.3); c.4598T>C, p.Leu1533Pro (NM_001321431.2); short protein forms L1533P.
Identifiers: ClinVar variation 2188686 (VCV002188686.5), dbSNP rs1381581047, ClinGen allele CA403737249.
Genomic context (GRCh38, chr19:8,109,247, plus strand): 5'-GGCTTAGGTCACGGTGTTCAACTGCCCCGCAGGGACTCACTGGTGTTGGCCATAGGGCAC[A>G]GCTCACAGGGATTGCCCCAAGCCCGGCCCAGGGAGCAACAGCAGGAAGCTCGGGTGACAC-3'
Protein context (NP_115823.3, residues 1523-1543): LGRAWGNPCE[Leu1533Pro]CPMANTTEYR

ClinVar aggregate classification (germline): Uncertain significance. Review status: criteria provided, multiple submitters, no conflicts (2 of 4 stars). 2 submissions from 2 submitters: Uncertain significance (2). Last evaluated 2025-08-30.

Allele frequency attached by ClinVar (database versions not stated): TOPMed 0.00002; gnomAD 0.00003; gnomAD exomes 0.00004.
gnomAD v4.1: 64 of 1,614,022 alleles (0.004%); highest among the groups gnomAD compares: African/African-American, 0.008%; no homozygotes.

Submissions (2):

Ambry Genetics
Classification: Uncertain significance. Last evaluated: 2025-08-30. Review status: criteria provided, single submitter. Criteria: Ambry Variant Classification Scheme 2023. Collection method: clinical testing. Allele origin: germline.

Labcorp Genetics (formerly Invitae), Labcorp
Classification: Uncertain significance. Last evaluated: 2025-06-12. Review status: criteria provided, single submitter. Criteria: Invitae Variant Classification Sherloc (09022015). Collection method: clinical testing. Allele origin: germline.
Comment: This sequence change replaces leucine, which is neutral and non-polar, with proline, which is neutral and non-polar, at codon 1533 of the FBN3 protein (p.Leu1533Pro). This variant is not present in population databases (gnomAD no frequency). This variant has not been reported in the literature in individuals affected with FBN3-related conditions. ClinVar contains an entry for this variant (Variation ID: 2188686). Invitae Evidence Modeling of protein sequence and biophysical properties (such as structural, functional, and spatial information, amino acid conservation, physicochemical variation, residue mobility, and thermodynamic stability) indicates that this missense variant is not expected to disrupt FBN3 protein function with a negative predictive value of 80%. In summary, the available evidence is currently insufficient to determine the role of this variant in disease. Therefore, it has been classified as a Variant of Uncertain Significance.